The following is an entry in ClinVar:

ClinVar aggregate classification (germline): Uncertain significance (1 of 4 stars; one submission).

Conditions:
Cardiomyopathy (CMYO). Also called: Cardiomyopathies. Identifiers: Orphanet 167848, MedGen C0878544, MONDO:0004994, HP:0001638. Inheritance: Various modes of inheritance.

Submission:

All of Us Research Program, National Institutes of Health
Classification: Uncertain significance for Cardiomyopathy. Last evaluated: 2023-05-16. Review status: criteria provided, single submitter. Criteria: ACMG Guidelines, 2015. Collection method: clinical testing. Allele origin: germline. Inheritance: Autosomal dominant inheritance. Observed: 1 variant allele, 1 heterozygote.
Comment: This variant deletes 2 nucleotides in exon 38 of the MYH7 gene, creating a frameshift and premature translation stop signal. This variant is expected to result in an absent or non-functional protein product. To our knowledge, this variant has not been reported in individuals affected with MYH7-related disorders in the literature. Clinical relevance of loss-of-function MYH7 truncation variants in autosomal dominant cardiovascular disorders is not clearly established. This variant has not been identified in the general population by the Genome Aggregation Database (gnomAD). The available evidence is insufficient to determine the role of this variant in disease conclusively. Therefore, this variant is classified as a Variant of Uncertain Significance.

This study involves interpretation of variants in research participants for the purpose of population health screening. Participant phenotype was not available at the time of variant classification. Additional details can be found in publication PMID: 35346344, PMCID: PMC8962531

NM_000257.4(MYH7):c.5644_5645del (p.Ala1882fs)

Gene: MYH7 (myosin heavy chain 7; minus strand). Cytogenetic location: 14q11.2.
Variant type: Deletion.
Coding change: c.5644_5645del on transcript NM_000257.4 (MANE Select); coding-DNA positions 5644 to 5645, 2 bases deleted (GC; older notation c.5644_5645delGC).
Protein change: p.Ala1882fs; shifts the reading frame from alanine 1882.
Molecular consequence: frameshift variant.
Genome position (GRCh38, 1-based): chr14:23,414,017-23,414,018, GC deleted on the plus strand (GC on the coding strand, the reverse complement: MYH7 is on the minus strand). VCF-style (leftmost placement, unchanged base first): chr14-23414016-GGC-G. GRCh37 (hg19) VCF-style: chr14-23883225-GGC-G.
Other names: c.5644_5645del, p.Ala1882fs (NM_001407004.1); short protein forms A1882fs.
Identifiers: ClinVar variation 3071151 (VCV003071151.1), dbSNP rs2502234305, ClinGen allele CA2825002208.